The following is an entry in ClinVar:

NM_006908.5(RAC1):c.107+1183T>C

Gene: RAC1 (Rac family small GTPase 1; plus strand). Cytogenetic location: 7p22.1.
Variant type: single nucleotide variant.
Coding change: c.107+1183T>C on transcript NM_006908.5 (MANE Select); 1183 bases into the intron after coding-DNA position 107, T replaced by C.
Molecular consequence: intron variant.
Genome position (GRCh38, 1-based): chr7:6,388,466, T>C. VCF-style: chr7-6388466-T-C. GRCh37 (hg19) VCF-style: chr7-6428097-T-C.
Other names: c.107+1183T>C (NM_018890.4).
Identifiers: ClinVar variation 3772018 (VCV003772018.13).

ClinVar aggregate classification (germline): Likely benign (1 of 4 stars; one submission).

gnomAD v4.1: 20 of 148,552 alleles (0.013%); highest among the groups gnomAD compares: Non-Finnish European, 0.024%; no homozygotes.

Submission:

CeGaT Center for Human Genetics Tuebingen
Classification: Likely benign. Last evaluated: 2025-09-01. Review status: criteria provided, single submitter. Criteria: CeGaT Center For Human Genetics Tuebingen Variant Classification Criteria Version 2. Collection method: clinical testing. Allele origin: germline. Affected: yes. Observed: 2 variant alleles.
Comment: RAC1: BP4, BP7